The following is an entry in ClinVar:

NM_177550.5(SLC13A5):c.1066G>A (p.Asp356Asn)

Gene: SLC13A5 (solute carrier family 13 member 5; minus strand). Cytogenetic location: 17p13.1.
Variant type: single nucleotide variant.
Coding change: c.1066G>A on transcript NM_177550.5 (MANE Select); coding-DNA position 1066, G replaced by A.
Protein change: p.Asp356Asn; replaces aspartic acid 356 with asparagine.
Molecular consequence: missense variant.
Genome position (GRCh38, 1-based): chr17:6,694,187, C>T on the plus strand (G>A on the coding strand, the complement: SLC13A5 is on the minus strand). VCF-style: chr17-6694187-C-T. GRCh37 (hg19) VCF-style: chr17-6597506-C-T.
Other names: c.1066G>A, p.Asp356Asn (NM_001143838.3); c.1015G>A, p.Asp339Asn (NM_001284509.2); c.937G>A, p.Asp313Asn (NM_001284510.2); short protein forms D356N, D339N, D313N.
Identifiers: ClinVar variation 588924 (VCV000588924.15), dbSNP rs151050636, ClinGen allele CA8331524.

ClinVar aggregate classification (germline): Uncertain significance. Review status: criteria provided, multiple submitters, no conflicts (2 of 4 stars). 4 submissions from 4 submitters: Uncertain significance (4). Last evaluated 2022-09-07.

Conditions:
Inborn genetic diseases. Identifiers: MedGen C0950123, MeSH D030342.
Developmental and epileptic encephalopathy, 25 (DEE25). Also called: Epileptic encephalopathy, early infantile, 25; Developmental and epileptic encephalopathy 25, with amelogenesis imperfecta; Epileptic encephalopathy, early infantile, 25, with amelogenesis imperfecta. Identifiers: Orphanet 442835, MedGen C4014621, MONDO:0014392, OMIM 615905.

Allele frequency attached by ClinVar (database versions not stated): gnomAD exomes below 0.00001; ExAC 0.00001; gnomAD 0.00001; TOPMed 0.00002; ESP Exome Variant Server 0.00008.
gnomAD v4.1: 6 of 1,608,728 alleles (0.00037%); highest among the groups gnomAD compares: African/African-American, 0.0027%; no homozygotes.

Submissions (4):

Labcorp Genetics (formerly Invitae), Labcorp
Classification: Uncertain significance for Developmental and epileptic encephalopathy, 25. Last evaluated: 2022-09-07. Review status: criteria provided, single submitter. Criteria: Invitae Variant Classification Sherloc (09022015). Collection method: clinical testing. Allele origin: germline.
Comment: This sequence change replaces aspartic acid, which is acidic and polar, with asparagine, which is neutral and polar, at codon 356 of the SLC13A5 protein (p.Asp356Asn). The frequency data for this variant in the population databases is considered unreliable, as metrics indicate poor data quality at this position in the gnomAD database. This variant has not been reported in the literature in individuals affected with SLC13A5-related conditions. ClinVar contains an entry for this variant (Variation ID: 588924). Algorithms developed to predict the effect of missense changes on protein structure and function are either unavailable or do not agree on the potential impact of this missense change (SIFT: "Deleterious"; PolyPhen-2: "Probably Damaging"; Align-GVGD: "Class C0"). In summary, the available evidence is currently insufficient to determine the role of this variant in disease. Therefore, it has been classified as a Variant of Uncertain Significance.

Genome-Nilou Lab
Classification: Uncertain significance for Developmental and epileptic encephalopathy, 25. Last evaluated: 2021-07-15. Review status: criteria provided, single submitter. Criteria: ACMG Guidelines, 2015. Collection method: clinical testing. Allele origin: germline. Affected: no.

GeneDx
Classification: Uncertain significance. Last evaluated: 2020-11-20. Review status: criteria provided, single submitter. Criteria: GeneDx Variant Classification Process June 2021. Collection method: clinical testing. Allele origin: germline. Affected: yes.
Comment: Not observed at a significant frequency in large population cohorts (Lek et al., 2016); In silico analysis supports that this missense variant has a deleterious effect on protein structure/function; Has not been previously published as pathogenic or benign to our knowledge

Ambry Genetics
Classification: Uncertain significance for Inborn genetic diseases. Last evaluated: 2017-04-04. Review status: criteria provided, single submitter. Criteria: Ambry Variant Classification Scheme 2023. Collection method: clinical testing. Allele origin: germline.
Comment: The p.D356N variant (also known as c.1066G>A), located in coding exon 8 of the SLC13A5 gene, results from a G to A substitution at nucleotide position 1066. The aspartic acid at codon 356 is replaced by asparagine, an amino acid with highly similar properties. This amino acid position is highly conserved in available vertebrate species. In addition, this alteration is predicted to be tolerated by in silico analysis. Since supporting evidence is limited at this time, the clinical significance of this alteration remains unclear.